The following is an entry in ClinVar:

NM_000350.3(ABCA4):c.429G>A (p.Pro143=)

Gene: ABCA4 (ATP binding cassette subfamily A member 4; minus strand). Cytogenetic location: 1p22.1.
Variant type: single nucleotide variant.
Coding change: c.429G>A on transcript NM_000350.3 (MANE Select); coding-DNA position 429, G replaced by A.
Protein change: p.Pro143=; no amino-acid change (proline 143 retained).
Molecular consequence: synonymous variant.
Genome position (GRCh38, 1-based): chr1:94,108,590, C>T on the plus strand (G>A on the coding strand, the complement: ABCA4 is on the minus strand). VCF-style: chr1-94108590-C-T. GRCh37 (hg19) VCF-style: chr1-94574146-C-T.
Other names: c.429G>A (NM_000350.2); c.429G>A, p.Pro143= (NM_001425324.1).
Identifiers: ClinVar variation 1645849 (VCV001645849.10), dbSNP rs138494741, ClinGen allele CA958846.
Genomic context (GRCh38, chr1:94,108,590, plus strand): 5'-CCATAGGTGAGGGAAATGATGCTTGAGAGCACTGCAGTCATGCTTACCTGCAATTCTCTC[C>T]GGGTGAGTCCGGAGGGTGTCCATGAATTGGGACAAGATGTGTAGCTCTGTCCAAATACGG-3'
Protein context (NP_000341.2, residues 133-153): SQFMDTLRTH[Pro143=]ERIAGRGIRI

ClinVar aggregate classification (germline): Likely benign. Review status: criteria provided, multiple submitters, no conflicts (2 of 4 stars). 3 submissions from 3 submitters: Likely benign (3). Last evaluated 2026-05-30.

Conditions:
ABCA4-related disorder. Also called: ABCA4-related disorders; ABCA4-related condition. Identifiers: MedGen CN239167.

Allele frequency attached by ClinVar (database versions not stated): gnomAD exomes 0.00002 and 0.00005; ExAC 0.00008; gnomAD 0.00011 and 0.00013; TOPMed 0.00014; ESP Exome Variant Server 0.00015.
gnomAD v4.1: 48 of 1,613,470 alleles (0.003%); highest among the groups gnomAD compares: African/African-American, 0.035%; no homozygotes.

Submissions (3):

PreventionGenetics, part of Exact Sciences
Classification: Likely benign for ABCA4-related condition. Last evaluated: 2026-05-30. Review status: criteria provided, single submitter. Criteria: ACMG Guidelines, 2015. Collection method: clinical testing. Allele origin: germline.
Comment: This variant is classified as likely benign based on ACMG/AMP sequence variant interpretation guidelines (Richards et al. 2015 PMID: 25741868, with internal and published modifications).

Labcorp Genetics (formerly Invitae), Labcorp
Classification: Likely benign. Last evaluated: 2025-11-06. Review status: criteria provided, single submitter. Criteria: Invitae Variant Classification Sherloc (09022015). Collection method: clinical testing. Allele origin: germline.

Blueprint Genetics
Classification: Likely benign. Last evaluated: 2023-03-22. Review status: criteria provided, single submitter. Criteria: ACMG Guidelines, 2015. Collection method: clinical testing. Allele origin: germline.